The following is an entry in ClinVar:

NM_000535.7(PMS2):c.2446-13G>A

Gene: PMS2 (PMS1 homolog 2, mismatch repair system component; minus strand). Cytogenetic location: 7p22.1.
Variant type: single nucleotide variant.
Coding change: c.2446-13G>A on transcript NM_000535.7 (MANE Select); 13 bases into the intron before coding-DNA position 2446, G replaced by A.
Molecular consequence: intron variant.
Genome position (GRCh38, 1-based): chr7:5,973,555, C>T on the plus strand (G>A on the coding strand, the complement: PMS2 is on the minus strand). VCF-style: chr7-5973555-C-T. GRCh37 (hg19) VCF-style: chr7-6013186-C-T.
Other names: c.2128-13G>A (NM_001322008.2, NM_001406883.1, NM_001322007.2); c.2137-13G>A (NM_001406881.1, NM_001406879.1, NM_001322015.2 and 4 more transcripts); c.2041-13G>A (NM_001406895.1, NM_001322004.2, NM_001406889.1 and 11 more transcripts); c.1675-13G>A (NM_001406911.1); c.1885-13G>A (NM_001322010.2, NM_001406906.1, NM_001406907.1); c.1972-13G>A (NM_001406902.1, NM_001406901.1); c.1933-13G>A (NM_001406904.1, NM_001406905.1); c.1873-13G>A (NM_001322013.2, NM_001406908.1, NM_001406909.1); and 20 more.
Identifiers: ClinVar variation 2775463 (VCV002775463.4), dbSNP rs2128659518, ClinGen allele CA2739266243.

ClinVar aggregate classification (germline): Likely benign. Review status: criteria provided, multiple submitters, no conflicts (2 of 4 stars). 2 submissions from 2 submitters: Likely benign (2). Last evaluated 2025-02-04.

Conditions:
Lynch syndrome 4 (LYNCH4). Also called: Hereditary non-polyposis colorectal cancer, type 4; Colorectal cancer, hereditary nonpolyposis, type 4. Identifiers: Orphanet 144, MedGen C1838333, MONDO:0013699, OMIM 614337. Disease mechanism: loss of function.
Hereditary nonpolyposis colorectal neoplasms. Identifiers: MedGen C0009405, MeSH D003123.

Submissions (2):

Myriad Genetics, Inc.
Classification: Likely benign for Lynch syndrome 4. Last evaluated: 2025-02-04. Review status: criteria provided, single submitter. Criteria: Myriad Autosomal Dominant, Autosomal Recessive and X-Linked Classification Criteria (2023). Collection method: clinical testing. Allele origin: unknown.
Comment: This variant is considered likely benign. This variant is intronic and is not expected to impact mRNA splicing.

Labcorp Genetics (formerly Invitae), Labcorp
Classification: Likely benign for Hereditary nonpolyposis colorectal neoplasms. Last evaluated: 2024-05-15. Review status: criteria provided, single submitter. Criteria: Invitae Variant Classification Sherloc (09022015). Collection method: clinical testing. Allele origin: germline.